The following is an entry in ClinVar:

NM_000709.4(BCKDHA):c.752dup (p.Asn251fs)

Gene: BCKDHA (branched chain keto acid dehydrogenase E1 subunit alpha; plus strand). Cytogenetic location: 19q13.2.
Variant type: Duplication.
Coding change: c.752dup on transcript NM_000709.4 (MANE Select); coding-DNA position 752, one base duplicated (A; older notation c.752dupA).
Protein change: p.Asn251fs; shifts the reading frame from asparagine 251.
Molecular consequence: frameshift variant.
Genome position (GRCh38, 1-based): chr19:41,422,269, A duplicated; the last of 2 consecutive A bases (chr19:41,422,268-41,422,269); duplicating either gives the same sequence. VCF-style (leftmost placement, unchanged base first): chr19-41422267-C-CA. GRCh37 (hg19) VCF-style: chr19-41928172-C-CA.
Other names: c.752dup, p.Asn251fs (NM_001164783.2); short protein forms N251fs.
Identifiers: ClinVar variation 5011984 (VCV005011984.1).

ClinVar aggregate classification (germline): Pathogenic (1 of 4 stars; one submission).

Conditions:
Maple syrup urine disease type 1A (MSUD1A). Also called: MSUD type 1A. Identifiers: MedGen C1855369, MONDO:0023691, OMIM 248600.

Submission:

Myriad Genetics, Inc.
Classification: Pathogenic for Maple syrup urine disease type 1A. Last evaluated: 2023-09-27. Review status: criteria provided, single submitter. Criteria: Myriad Autosomal Dominant, Autosomal Recessive and X-Linked Classification Criteria (2023). Collection method: clinical testing. Allele origin: unknown.
Comment: NM_000709.3(BCKDHA):c.752dupA(N251Kfs*7) is expected to be pathogenic in the context of maple syrup urine disease type Ia. This variant is predicted to lead to an abnormal or absent protein product due to the creation of a premature termination codon in BCKDHA, a gene where loss-of-function variants are known to be pathogenic. Please note: this variant was assessed in the context of healthy population screening.